The following is an entry in ClinVar:

NM_004360.5(CDH1):c.87C>G (p.His29Gln)

Gene: CDH1 (cadherin 1; plus strand). Cytogenetic location: 16q22.1.
Variant type: single nucleotide variant.
Coding change: c.87C>G on transcript NM_004360.5 (MANE Select); coding-DNA position 87, C replaced by G.
Protein change: p.His29Gln; replaces histidine 29 with glutamine.
Molecular consequence: missense variant. On other transcripts: 5 prime UTR variant (2).
Genome position (GRCh38, 1-based): chr16:68,738,335, C>G. VCF-style: chr16-68738335-C-G. GRCh37 (hg19) VCF-style: chr16-68772238-C-G.
Other names: c.87C>G, p.His29Gln (NM_001317184.2); c.-1529C>G (NM_001317185.2); c.-1733C>G (NM_001317186.2); short protein forms H29Q.
Identifiers: ClinVar variation 2503012 (VCV002503012.4), dbSNP rs1555509762, ClinGen allele CA396451847.

ClinVar aggregate classification (germline): Uncertain significance. Review status: criteria provided, multiple submitters, no conflicts (2 of 4 stars). 2 submissions from 2 submitters: Uncertain significance (2). Last evaluated 2024-02-01.

Conditions:
Hereditary diffuse gastric adenocarcinoma (HDGC). Also called: DIFFUSE GASTRIC AND LOBULAR BREAST CANCER SYNDROME. Identifiers: Orphanet 26106, MedGen C1708349, MONDO:0007648, OMIM 137215.

Allele frequency attached by ClinVar (database versions not stated): TOPMed below 0.00001.

Submissions (2):

Labcorp Genetics (formerly Invitae), Labcorp
Classification: Uncertain significance for Hereditary diffuse gastric adenocarcinoma. Last evaluated: 2024-02-01. Review status: criteria provided, single submitter. Criteria: Invitae Variant Classification Sherloc (09022015). Collection method: clinical testing. Allele origin: germline.
Comment: This sequence change replaces histidine, which is basic and polar, with glutamine, which is neutral and polar, at codon 29 of the CDH1 protein (p.His29Gln). This variant is not present in population databases (gnomAD no frequency). This missense change has been observed in individual(s) with breast cancer (PMID: 36436516). ClinVar contains an entry for this variant (Variation ID: 2503012). An algorithm developed to predict the effect of missense changes on protein structure and function (PolyPhen-2) suggests that this variant is likely to be tolerated. In summary, the available evidence is currently insufficient to determine the role of this variant in disease. Therefore, it has been classified as a Variant of Uncertain Significance.

European Reference Network on Genetic Tumour Risk Syndromes (ERN-GENTURIS), i3s - Instituto de Investigação e Inovação em Saúde, University of Porto
Classification: Uncertain significance for Hereditary diffuse gastric adenocarcinoma. Last evaluated: 2022-08-01. Review status: criteria provided, single submitter. Criteria: Lee et al. (Hum Mutat. 2018). Collection method: clinical testing. Allele origin: germline. Inheritance: Autosomal dominant inheritance. Affected: no. Study: ERN GENTURIS.
Comment: PM2 (PMID: 30311375)

Literature cited by the submitters: PubMed 36436516 (cited by Labcorp Genetics (formerly Invitae), Labcorp and European Reference Network on Genetic Tumour Risk Syndromes (ERN-GENTURIS), i3s - Instituto de Investigação e Inovação em Saúde, University of Porto).